The following is an entry in ClinVar:

ClinVar aggregate classification (germline): Uncertain significance (1 of 4 stars; one submission).

Allele frequency attached by ClinVar (database versions not stated): TOPMed 0.00011; gnomAD 0.00012; gnomAD exomes 0.00014; ESP Exome Variant Server 0.00015; ExAC 0.00019.
gnomAD v4.1: 233 of 1,613,392 alleles (0.014%); highest among the groups gnomAD compares: Middle Eastern, 0.18%; 4 homozygotes.

Submission:

Labcorp Genetics (formerly Invitae), Labcorp
Classification: Uncertain significance. Last evaluated: 2025-05-19. Review status: criteria provided, single submitter. Criteria: Invitae Variant Classification Sherloc (09022015). Collection method: clinical testing. Allele origin: germline.
Comment: This sequence change replaces glutamine, which is neutral and polar, with arginine, which is basic and polar, at codon 47 of the AQP1 protein (p.Gln47Arg). This variant is present in population databases (rs377506522, gnomAD 0.07%), and has an allele count higher than expected for a pathogenic variant. This variant has not been reported in the literature in individuals affected with AQP1-related conditions. ClinVar contains an entry for this variant (Variation ID: 2746941). Invitae Evidence Modeling of protein sequence and biophysical properties (such as structural, functional, and spatial information, amino acid conservation, physicochemical variation, residue mobility, and thermodynamic stability) indicates that this missense variant is not expected to disrupt AQP1 protein function with a negative predictive value of 80%. Experimental studies have shown that this missense change affects AQP1 function (PMID: 20492605). In summary, the available evidence is currently insufficient to determine the role of this variant in disease. Therefore, it has been classified as a Variant of Uncertain Significance.

Literature cited by the submitters: PubMed 20492605.

NM_198098.4(AQP1):c.140A>G (p.Gln47Arg)

Gene: AQP1 (aquaporin 1 (Colton blood group); plus strand). Cytogenetic location: 7p14.3.
Variant type: single nucleotide variant.
Coding change: c.140A>G on transcript NM_198098.4 (MANE Select); coding-DNA position 140, A replaced by G.
Protein change: p.Gln47Arg; replaces glutamine 47 with arginine.
Molecular consequence: missense variant.
Genome position (GRCh38, 1-based): chr7:30,912,049, A>G. VCF-style: chr7-30912049-A-G. GRCh37 (hg19) VCF-style: chr7-30951664-A-G.
Other names: c.140A>G, p.Gln47Arg (NM_001329872.2); short protein forms Q47R.
Identifiers: ClinVar variation 2746941 (VCV002746941.3), dbSNP rs377506522, ClinGen allele CA4208050.